The following is an entry in ClinVar:

NM_000492.4(CFTR):c.3311A>T (p.Glu1104Val)

Genes: CFTR (CF transmembrane conductance regulator; plus strand), CFTR-AS2 (CFTR antisense RNA 2; minus strand), LOC111674472 (DNase I hypersensitive sites in introns 16 and 17a of CFTR; plus strand). Cytogenetic location: 7q31.2.
Variant type: single nucleotide variant.
Coding change: c.3311A>T on transcript NM_000492.4 (MANE Select); coding-DNA position 3311, A replaced by T.
Protein change: p.Glu1104Val; replaces glutamic acid 1104 with valine.
Molecular consequence: missense variant.
Genome position (GRCh38, 1-based): chr7:117,611,752, A>T. VCF-style: chr7-117611752-A-T. GRCh37 (hg19) VCF-style: chr7-117251806-A-T.
Other names: p.Glu1104Val; short protein forms E1104V.
Identifiers: ClinVar variation 3381027 (VCV003381027.1).

ClinVar aggregate classification (germline): Likely pathogenic (1 of 4 stars; one submission).

Submission:

Mayo Clinic Laboratories, Mayo Clinic
Classification: Likely pathogenic. Last evaluated: 2024-05-03. Review status: criteria provided, single submitter. Criteria: ACMG Guidelines, 2015. Collection method: clinical testing. Allele origin: germline. Observed: 1 variant allele.
Comment: PP3, PM2, PS3

Literature cited by the submitters: PubMed 38388235.